The following is an entry in ClinVar:

NM_024079.5(ALG8):c.1507A>G (p.Ile503Val)

Gene: ALG8 (ALG8 alpha-1,3-glucosyltransferase; minus strand). Cytogenetic location: 11q14.1.
Variant type: single nucleotide variant.
Coding change: c.1507A>G on transcript NM_024079.5 (MANE Select); coding-DNA position 1507, A replaced by G.
Protein change: p.Ile503Val; replaces isoleucine 503 with valine.
Molecular consequence: missense variant. On other transcripts: 3 prime UTR variant (1).
Genome position (GRCh38, 1-based): chr11:78,101,038, T>C on the plus strand (A>G on the coding strand, the complement: ALG8 is on the minus strand). VCF-style: chr11-78101038-T-C. GRCh37 (hg19) VCF-style: chr11-77812084-T-C.
Other names: c.*178A>G (NM_001007027.3); short protein forms I503V.
Identifiers: ClinVar variation 284641 (VCV000284641.18), dbSNP rs17856033, ClinGen allele CA6203108.
Genomic context (GRCh38, chr11:78,101,038, plus strand): 5'-TCTTGCCAATAGCAGAGTCAATCAATACTGAAACATACAGTTTGAACCAAGCATATGTGA[T>C]GCCTACTGCACAATACACTGAGGTTAGTAACAAAGGGATGAAGGGGTACTTCACCTTCCA-3'
Protein context (NP_076984.2, residues 493-513): LLTSVYCAVG[Ile503Val]TYAWFKLYVS

ClinVar aggregate classification (germline): Uncertain significance. Review status: criteria provided, multiple submitters, no conflicts (2 of 4 stars). 7 submissions from 7 submitters: Uncertain significance (5). 2 of the submissions do not count toward it. Last evaluated 2025-10-21.

Conditions:
ALG8-related disorder.
Polycystic liver disease 3 with or without kidney cysts. Identifiers: MedGen C4693472, MONDO:0054743, OMIM 617874.
ALG8 congenital disorder of glycosylation. Also called: CONGENITAL DISORDER OF GLYCOSYLATION, TYPE Ih; CDG Ih; ALG8-CDG. Identifiers: Orphanet 79325, MedGen C2931002, MONDO:0011969, OMIM 608104.

Allele frequency attached by ClinVar (database versions not stated): gnomAD 0.00039 and 0.00041; TOPMed 0.00042; ESP Exome Variant Server 0.00046; gnomAD exomes 0.00049 and 0.00088; ExAC 0.00058.

Submissions (7):

Labcorp Genetics (formerly Invitae), Labcorp
Classification: Uncertain significance for ALG8 congenital disorder of glycosylation. Last evaluated: 2025-10-21. Review status: criteria provided, single submitter. Criteria: Invitae Variant Classification Sherloc (09022015). Collection method: clinical testing. Allele origin: germline.
Comment: This sequence change replaces isoleucine, which is neutral and non-polar, with valine, which is neutral and non-polar, at codon 503 of the ALG8 protein (p.Ile503Val). This variant is present in population databases (rs17856033, gnomAD 0.1%), and has an allele count higher than expected for a pathogenic variant. This missense change has been observed in individual(s) with polycystic kidney disease (PMID: 38012624). ClinVar contains an entry for this variant (Variation ID: 284641). Invitae Evidence Modeling of protein sequence and biophysical properties (such as structural, functional, and spatial information, amino acid conservation, physicochemical variation, residue mobility, and thermodynamic stability) indicates that this missense variant is not expected to disrupt ALG8 protein function with a negative predictive value of 80%. In summary, the available evidence is currently insufficient to determine the role of this variant in disease. Therefore, it has been classified as a Variant of Uncertain Significance.

GeneDx
Classification: Uncertain significance. Last evaluated: 2025-02-24. Review status: criteria provided, single submitter. Criteria: GeneDx Variant Classification Process June 2021. Collection method: clinical testing. Allele origin: germline. Affected: yes.
Comment: Reported in an individual with kidney and liver cysts and their child with renal cysts in published literature (PMID: 38012624); In silico analysis indicates that this missense variant does not alter protein structure/function; This variant is associated with the following publications: (PMID: 38012624)

ARUP Laboratories, Molecular Genetics and Genomics, ARUP Laboratories
Classification: Uncertain significance. Last evaluated: 2023-12-20. Review status: criteria provided, single submitter. Criteria: ARUP Molecular Germline Variant Investigation Process 2024. Collection method: clinical testing. Allele origin: germline.

Fulgent Genetics
Classification: Uncertain significance for ALG8 congenital disorder of glycosylation; Polycystic liver disease 3 with or without kidney cysts. Last evaluated: 2018-10-31. Review status: criteria provided, single submitter. Criteria: ACMG Guidelines, 2015. Collection method: clinical testing. Allele origin: unknown.

Eurofins Ntd Llc (ga)
Classification: Uncertain significance. Last evaluated: 2015-11-23. Review status: criteria provided, single submitter. Criteria: EGL Classification Definitions 2015. Collection method: clinical testing. Allele origin: germline. Observed: 1 variant allele, 1 heterozygote.

PreventionGenetics, part of Exact Sciences
Classification: Uncertain significance for ALG8-related condition. Last evaluated: 2024-08-28. Review status: no assertion criteria provided. Collection method: clinical testing. Allele origin: germline. Not counted in ClinVar's aggregate classification.
Comment: The ALG8 c.1507A>G variant is predicted to result in the amino acid substitution p.Ile503Val. This variant has been reported in a father with renal cysts and liver microcysts and his pediatric daughter with renal cysts (Saglia et al. 2023. PubMed ID: 38012624). However, this variant has also been reported in 0.14% of alleles in individuals of Ashkenazi Jewish descent in gnomAD. Of note, the p.Ile503 residue is not well conserved during evolution and at this position is a valine (Val) in multiple species including chimp. Although we suspect that this variant may be benign, at this time, the clinical significance of this variant is uncertain due to the absence of conclusive functional and genetic evidence.

Immunogenetics and Transplant Biology Service, University Hospital "Città della Salute e della Scienza di Torino"
Classification: Uncertain significance for Polycystic liver disease 3 with or without kidney cysts. Last evaluated: 2023-07-03. Review status: no assertion criteria provided. Collection method: clinical testing. Allele origin: germline. Affected: yes. Not counted in ClinVar's aggregate classification.

Literature cited by the submitters: PubMed 38012624 (cited by Labcorp Genetics (formerly Invitae), Labcorp).